The following is an entry in ClinVar:

NM_001486.4(GCKR):c.539T>A (p.Val180Glu)

Gene: GCKR (glucokinase regulator; plus strand). Cytogenetic location: 2p23.3.
Variant type: single nucleotide variant.
Coding change: c.539T>A on transcript NM_001486.4 (MANE Select); coding-DNA position 539, T replaced by A.
Protein change: p.Val180Glu; replaces valine 180 with glutamic acid.
Molecular consequence: missense variant.
Genome position (GRCh38, 1-based): chr2:27,499,440, T>A. VCF-style: chr2-27499440-T-A. GRCh37 (hg19) VCF-style: chr2-27722307-T-A.
Other names: short protein forms V180E.
Identifiers: ClinVar variation 3367456 (VCV003367456.1).

ClinVar aggregate classification (germline): Uncertain significance (1 of 4 stars; one submission).

Submission:

GeneDx
Classification: Uncertain significance. Last evaluated: 2024-01-05. Review status: criteria provided, single submitter. Criteria: GeneDx Variant Classification Process June 2021. Collection method: clinical testing. Allele origin: germline. Affected: yes.
Comment: Not observed at significant frequency in large population cohorts (gnomAD); In silico analysis supports that this missense variant has a deleterious effect on protein structure/function; Has not been previously published as pathogenic or benign to our knowledge